The following is an entry in ClinVar:

NM_015148.4(PASK):c.2288C>T (p.Thr763Met)

Gene: PASK (PAS domain containing serine/threonine kinase; minus strand). Cytogenetic location: 2q37.3.
Variant type: single nucleotide variant.
Coding change: c.2288C>T on transcript NM_015148.4 (MANE Select); coding-DNA position 2288, C replaced by T.
Protein change: p.Thr763Met; replaces threonine 763 with methionine.
Molecular consequence: missense variant.
Genome position (GRCh38, 1-based): chr2:241,126,627, G>A on the plus strand (C>T on the coding strand, the complement: PASK is on the minus strand). VCF-style: chr2-241126627-G-A. GRCh37 (hg19) VCF-style: chr2-242066042-G-A.
Other names: c.2288C>T, p.Thr763Met (NM_001252119.2, NM_001252120.2, NM_001252124.2); c.2183C>T, p.Thr728Met (NM_001252122.2); short protein forms T728M, T763M.
Identifiers: ClinVar variation 3042307 (VCV003042307.2), dbSNP rs150014507, ClinGen allele CA2213156.

ClinVar aggregate classification (germline): Likely benign (0 of 4 stars; one submission).

Conditions:
PASK-related disorder. Also called: PASK-related condition.

Allele frequency attached by ClinVar (database versions not stated): TOPMed 0.00079; gnomAD 0.00085; ESP Exome Variant Server 0.00092; ExAC 0.00106; gnomAD exomes 0.00107; 1000 Genomes Project 30x 0.00156; 1000 Genomes Project 0.00160.
gnomAD v4.1: 1,677 of 1,614,196 alleles (0.1%); highest among the groups gnomAD compares: East Asian, 0.42%; 4 homozygotes.

Submission:

PreventionGenetics, part of Exact Sciences
Classification: Likely benign for PASK-related condition. Last evaluated: 2022-03-21. Review status: no assertion criteria provided. Collection method: clinical testing. Allele origin: germline.
Comment: This variant is classified as likely benign based on ACMG/AMP sequence variant interpretation guidelines (Richards et al. 2015 PMID: 25741868, with internal and published modifications).